The following is an entry in ClinVar:

NM_024652.6(LRRK1):c.801G>A (p.Trp267Ter)

Gene: LRRK1 (leucine rich repeat kinase 1; plus strand). Cytogenetic location: 15q26.3.
Variant type: single nucleotide variant.
Coding change: c.801G>A on transcript NM_024652.6 (MANE Select); coding-DNA position 801, G replaced by A.
Protein change: p.Trp267Ter; replaces tryptophan 267 with a stop codon.
Molecular consequence: nonsense.
Genome position (GRCh38, 1-based): chr15:101,008,875, G>A. VCF-style: chr15-101008875-G-A. GRCh37 (hg19) VCF-style: chr15-101549080-G-A.
Other names: short protein forms W267*.
Identifiers: ClinVar variation 2759016 (VCV002759016.3), dbSNP rs2505745149, ClinGen allele CA393954882.
Genomic context (GRCh38, chr15:101,008,875, plus strand): 5'-TTTCCTTTCTTTCCACCACCAGGCTCTCCGTGTGAAATGGTCCCATCTCAGACTGCCCTG[G>A]GTAGACCTAGACTGGCTCATAGACATCTCCTGCCAGATCACGGAGCTCGACCTTTCTGCC-3'

ClinVar aggregate classification (germline): Pathogenic (1 of 4 stars; one submission).

Submission:

Labcorp Genetics (formerly Invitae), Labcorp
Classification: Pathogenic. Last evaluated: 2023-09-08. Review status: criteria provided, single submitter. Criteria: Invitae Variant Classification Sherloc (09022015). Collection method: clinical testing. Allele origin: germline.
Comment: For these reasons, this variant has been classified as Pathogenic. This variant has not been reported in the literature in individuals affected with LRRK1-related conditions. This variant is not present in population databases (gnomAD no frequency). This sequence change creates a premature translational stop signal (p.Trp267*) in the LRRK1 gene. It is expected to result in an absent or disrupted protein product. Loss-of-function variants in LRRK1 are known to be pathogenic (PMID: 23526378, 31571209, 32119750).

Literature cited by the submitters: PubMed 23526378; PubMed 31571209; PubMed 32119750.